The following is an entry in ClinVar:

ClinVar aggregate classification (germline): Likely benign. Review status: criteria provided, multiple submitters, no conflicts (2 of 4 stars). 4 submissions from 4 submitters: Likely benign (3). 1 of the submissions does not count toward it. Last evaluated 2026-01-01.

Conditions:
SERPINB6-related disorder. Also called: SERPINB6-related condition.

Allele frequency attached by ClinVar (database versions not stated): gnomAD 0.00005; gnomAD exomes 0.00007 and 0.00015; TOPMed 0.00009; ExAC 0.00018; 1000 Genomes Project 0.00020; 1000 Genomes Project 30x 0.00047.
gnomAD v4.1: 109 of 1,614,126 alleles (0.0068%); highest among the groups gnomAD compares: Admixed American, 0.06%; no homozygotes.

Submissions (4):

Labcorp Genetics (formerly Invitae), Labcorp
Classification: Likely benign. Last evaluated: 2026-01-01. Review status: criteria provided, single submitter. Criteria: Invitae Variant Classification Sherloc (09022015). Collection method: clinical testing. Allele origin: germline.

Blueprint Genetics
Classification: Likely benign. Last evaluated: 2023-03-29. Review status: criteria provided, single submitter. Criteria: ACMG Guidelines, 2015. Collection method: clinical testing. Allele origin: germline.

Laboratory for Molecular Medicine, Mass General Brigham Personalized Medicine
Classification: Likely benign. Last evaluated: 2016-03-14. Review status: criteria provided, single submitter. Criteria: LMM Criteria. Collection method: clinical testing. Allele origin: germline. Observed: 1 variant allele.
Comment: p.Pro272Pro in exon 8 of SERPINB6: This variant is not expected to have clinical significance because it does not alter an amino acid residue and is not located within the splice consensus sequence. It has been identified in 20/11578 of Lat ino chromosomes by the Exome Aggregation Consortium (ExAC; dbSNP rs151200580).

PreventionGenetics, part of Exact Sciences
Classification: Likely benign for SERPINB6-related condition. Last evaluated: 2020-09-10. Review status: no assertion criteria provided. Collection method: clinical testing. Allele origin: germline. Not counted in ClinVar's aggregate classification.
Comment: This variant is classified as likely benign based on ACMG/AMP sequence variant interpretation guidelines (Richards et al. 2015 PMID: 25741868, with internal and published modifications).

NM_004568.6(SERPINB6):c.816G>A (p.Pro272=)

Gene: SERPINB6 (serpin family B member 6; minus strand). Cytogenetic location: 6p25.2.
Variant type: single nucleotide variant.
Coding change: c.816G>A on transcript NM_004568.6 (MANE Select); coding-DNA position 816, G replaced by A.
Protein change: p.Pro272=; no amino-acid change (proline 272 retained).
Molecular consequence: synonymous variant. On other transcripts: non-coding transcript variant (1).
Genome position (GRCh38, 1-based): chr6:2,948,613, C>T on the plus strand (G>A on the coding strand, the complement: SERPINB6 is on the minus strand). VCF-style: chr6-2948613-C-T. GRCh37 (hg19) VCF-style: chr6-2948847-C-T.
Other names: c.816G>A (NM_004568.5); c.828G>A, p.Pro276= (NM_001195291.3, NM_001374515.1); c.858G>A, p.Pro286= (NM_001271822.2); c.873G>A, p.Pro291= (NM_001271823.2); c.816G>A, p.Pro272= (NM_001271824.2, NM_001271825.2, NM_001297699.2 and 2 more transcripts); c.684G>A, p.Pro228= (NM_001374517.1).
Identifiers: ClinVar variation 227938 (VCV000227938.16), dbSNP rs151200580, ClinGen allele CA3617410.